The following is an entry in ClinVar:

ClinVar aggregate classification (germline): Pathogenic. Review status: reviewed by expert panel (3 of 4 stars). 3 submissions from 3 submitters: Pathogenic (1). 2 of the submissions do not count toward it. Last evaluated 2017-12-15.

Conditions:
Hereditary breast ovarian cancer syndrome. Also called: Hereditary breast and ovarian cancer syndrome (HBOC); BRCA1- and BRCA2-Associated Hereditary Breast and Ovarian Cancer; Hereditary breast and/or ovarian cancer syndrome; Hereditary breast and ovarian cancer syndrome; Hereditary breast and ovarian cancer; Breast and ovarian cancer. Identifiers: Orphanet 145, MedGen C0677776, MeSH D061325, MONDO:0003582. Disease mechanism: loss of function.
Breast-ovarian cancer, familial, susceptibility to, 1 (BROVCA1). Also called: BRCA1 Hereditary Breast and Ovarian Cancer; OVARIAN CANCER, SUSCEPTIBILITY TO. Identifiers: Orphanet 145, MedGen C2676676, MONDO:0011450, OMIM 604370. Disease mechanism: loss of function.

Submissions (3):

Evidence-based Network for the Interpretation of Germline Mutant Alleles (ENIGMA)
Classification: Pathogenic for Breast-ovarian cancer, familial, susceptibility to, 1. Last evaluated: 2017-12-15. Review status: reviewed by expert panel. Criteria: ENIGMA BRCA1/2 Classification Criteria (2017-06-29). Collection method: curation. Allele origin: germline. Study: ENIGMA.
Comment: Variant allele predicted to encode a truncated non-functional protein.

Labcorp Genetics (formerly Invitae), Labcorp
Classification: Pathogenic for Hereditary breast ovarian cancer syndrome. Last evaluated: 2017-10-09. Review status: criteria provided, single submitter. Criteria: Invitae Variant Classification Sherloc (09022015). Collection method: clinical testing. Allele origin: germline. Not counted in ClinVar's aggregate classification.
Comment: This variant is not present in population databases (ExAC no frequency). For these reasons, this variant has been classified as Pathogenic. Loss-of-function variants in BRCA1 are known to be pathogenic (PMID: 20104584). This variant has not been reported in the literature in individuals with BRCA1-related disease. ClinVar contains an entry for this variant (Variation ID: 431187). This sequence change creates a premature translational stop signal (p.Gly1710Glufs*4) in the BRCA1 gene. It is expected to result in an absent or disrupted protein product.

Cancer Genetics and Genomics Laboratory, British Columbia Cancer Agency
Classification: Pathogenic for Hereditary breast ovarian cancer syndrome. Last evaluated: 2017-04-18. Review status: criteria provided, single submitter. Criteria: ACMG Guidelines, 2015. Collection method: clinical testing. Allele origin: germline. Study: The Canadian Open Genetics Repository (COGR). Not counted in ClinVar's aggregate classification.

Literature cited by the submitters: PubMed 20104584 (cited by Labcorp Genetics (formerly Invitae), Labcorp).

NM_007294.4(BRCA1):c.5129del (p.Gly1710fs)

Gene: BRCA1 (BRCA1 DNA repair associated; minus strand). Cytogenetic location: 17q21.31.
Variant type: Deletion.
Coding change: c.5129del on transcript NM_007294.4 (MANE Select); coding-DNA position 5129, one base deleted (G; older notation c.5129delG).
Protein change: p.Gly1710fs; shifts the reading frame from glycine 1710.
Molecular consequence: frameshift variant. On other transcripts: non-coding transcript variant (1).
Genome position (GRCh38, 1-based): chr17:43,063,897, C deleted on the plus strand (G on the coding strand, the reverse complement: BRCA1 is on the minus strand); the first of 2 consecutive C bases (chr17:43,063,897-43,063,898); deleting either gives the same sequence. VCF-style (leftmost placement, unchanged base first): chr17-43063896-TC-T. GRCh37 (hg19) VCF-style: chr17-41215913-TC-T.
Other names: c.5129delG (NM_007294.3); c.5128delG, p.Gly1710Glufs (NM_001407593.1, NM_001407594.1, NM_001407596.1 and 7 more transcripts); c.5125delG, p.Gly1709Glufs (NM_001407610.1, NM_001407611.1, NM_001407612.1 and 17 more transcripts); c.5122delG, p.Gly1708Glufs (NM_001407627.1, NM_001407628.1, NM_001407629.1 and 14 more transcripts); c.5119delG, p.Gly1707Glufs (NM_001407644.1, NM_001407645.1); c.5116delG, p.Gly1706Glufs (NM_001407646.1); c.5113delG, p.Gly1705Glufs (NM_001407647.1); c.5071delG, p.Gly1691Glufs (NM_001407648.1); and 75 more; short protein forms G1663fs, G1710fs, G1731fs, G606fs.
Identifiers: ClinVar variation 431187 (VCV000431187.8), dbSNP rs1135401829, ClinGen allele CA500146168.